The following is an entry in ClinVar:

NM_198525.3(KIF7):c.3553C>T (p.Gln1185Ter)

Genes: KIF7 (kinesin family member 7; minus strand), LOC126862216 (BRD4-independent group 4 enhancer GRCh37_chr15:90171995-90173194; plus strand). Cytogenetic location: 15q26.1.
Variant type: single nucleotide variant.
Coding change: c.3553C>T on transcript NM_198525.3 (MANE Select); coding-DNA position 3553, C replaced by T.
Protein change: p.Gln1185Ter; replaces glutamine 1185 with a stop codon.
Molecular consequence: nonsense.
Genome position (GRCh38, 1-based): chr15:89,629,087, G>A on the plus strand (C>T on the coding strand, the complement: KIF7 is on the minus strand). VCF-style: chr15-89629087-G-A. GRCh37 (hg19) VCF-style: chr15-90172318-G-A.
Other names: short protein forms Q1185*.
Identifiers: ClinVar variation 2157762 (VCV002157762.4), dbSNP rs767550455, ClinGen allele CA393754187.

ClinVar aggregate classification (germline): Pathogenic (1 of 4 stars; one submission).

Conditions:
Acrocallosal syndrome (ACLS). Also called: HALLUX DUPLICATION, POSTAXIAL POLYDACTYLY, AND ABSENCE OF CORPUS CALLOSUM; Schinzel syndrome 1; Absence of corpus callosum with unusual facial appearance, mental deficiency, duplication of the halluces and polydactyly. Identifiers: Orphanet 36, MedGen C0796147, MONDO:0008708, OMIM 200990.

Submission:

Labcorp Genetics (formerly Invitae), Labcorp
Classification: Pathogenic for Acrocallosal syndrome. Last evaluated: 2022-07-04. Review status: criteria provided, single submitter. Criteria: Invitae Variant Classification Sherloc (09022015). Collection method: clinical testing. Allele origin: germline.
Comment: For these reasons, this variant has been classified as Pathogenic. This variant has not been reported in the literature in individuals affected with KIF7-related conditions. This variant is not present in population databases (gnomAD no frequency). This sequence change creates a premature translational stop signal (p.Gln1185*) in the KIF7 gene. It is expected to result in an absent or disrupted protein product. Loss-of-function variants in KIF7 are known to be pathogenic (PMID: 19666503, 21552264, 21633164, 26648833).

Literature cited by the submitters: PubMed 19666503; PubMed 21552264; PubMed 21633164; PubMed 26648833.